The following is an entry in ClinVar:

NM_005869.4(CWC27):c.845G>C (p.Arg282Thr)

Gene: CWC27 (CWC27 spliceosome associated cyclophilin; plus strand). Cytogenetic location: 5q12.3.
Variant type: single nucleotide variant.
Coding change: c.845G>C on transcript NM_005869.4 (MANE Select); coding-DNA position 845, G replaced by C.
Protein change: p.Arg282Thr; replaces arginine 282 with threonine.
Molecular consequence: missense variant.
Genome position (GRCh38, 1-based): chr5:64,804,293, G>C. VCF-style: chr5-64804293-G-C. GRCh37 (hg19) VCF-style: chr5-64100120-G-C.
Other names: c.845G>C, p.Arg282Thr (NM_001297644.1, NM_001297645.2, NM_001318000.2 and 1 more transcripts); c.845G>C (NM_005869.2); short protein forms R282T.
Identifiers: ClinVar variation 1004538 (VCV001004538.8), dbSNP rs200712636, ClinGen allele CA3282107.
Genomic context (GRCh38, chr5:64,804,293, plus strand): 5'-GAGAAGATGAAAGTGCAGAGCATGATGAATATATTGATGGTGATGAAAAGAACCTGATGA[G>C]AGAAAGAATTGCCAAAAAATTAAAAAAGGACACAAGTGCGAATGTTAAATCAGCTGGAGA-3'
Protein context (NP_005860.2, residues 272-292): YIDGDEKNLM[Arg282Thr]ERIAKKLKKD

ClinVar aggregate classification (germline): Uncertain significance. Review status: criteria provided, multiple submitters, no conflicts (2 of 4 stars). 2 submissions from 2 submitters: Uncertain significance (2). Last evaluated 2024-06-02.

Conditions:
Inborn genetic diseases. Identifiers: MedGen C0950123, MeSH D030342.

Allele frequency attached by ClinVar (database versions not stated): gnomAD 0.00001; gnomAD exomes 0.00001 and 0.00004; TOPMed 0.00001; ExAC 0.00007; 1000 Genomes Project 30x 0.00016; 1000 Genomes Project 0.00020.
gnomAD v4.1: 19 of 1,613,116 alleles (0.0012%); highest among the groups gnomAD compares: East Asian, 0.04%; no homozygotes.

Submissions (2):

Ambry Genetics
Classification: Uncertain significance for Inborn genetic diseases. Last evaluated: 2024-06-02. Review status: criteria provided, single submitter. Criteria: Ambry Variant Classification Scheme 2023. Collection method: clinical testing. Allele origin: germline.

Labcorp Genetics (formerly Invitae), Labcorp
Classification: Uncertain significance. Last evaluated: 2022-07-25. Review status: criteria provided, single submitter. Criteria: Invitae Variant Classification Sherloc (09022015). Collection method: clinical testing. Allele origin: germline.
Comment: This sequence change replaces arginine, which is basic and polar, with threonine, which is neutral and polar, at codon 282 of the CWC27 protein (p.Arg282Thr). The frequency data for this variant in the population databases is considered unreliable, as metrics indicate poor data quality at this position in the gnomAD database. This variant has not been reported in the literature in individuals affected with CWC27-related conditions. ClinVar contains an entry for this variant (Variation ID: 1004538). Algorithms developed to predict the effect of missense changes on protein structure and function (SIFT, PolyPhen-2, Align-GVGD) all suggest that this variant is likely to be tolerated. In summary, the available evidence is currently insufficient to determine the role of this variant in disease. Therefore, it has been classified as a Variant of Uncertain Significance.